The following is an entry in ClinVar:

NM_001025603.2(RFX5):c.851T>C (p.Leu284Pro)

Gene: RFX5 (regulatory factor X5; minus strand). Cytogenetic location: 1q21.3.
Variant type: single nucleotide variant.
Coding change: c.851T>C on transcript NM_001025603.2 (MANE Select); coding-DNA position 851, T replaced by C.
Protein change: p.Leu284Pro; replaces leucine 284 with proline.
Molecular consequence: missense variant.
Genome position (GRCh38, 1-based): chr1:151,343,349, A>G on the plus strand (T>C on the coding strand, the complement: RFX5 is on the minus strand). VCF-style: chr1-151343349-A-G. GRCh37 (hg19) VCF-style: chr1-151315825-A-G.
Other names: c.851T>C, p.Leu284Pro (NM_000449.4, NM_001379412.1, NM_001379413.1 and 5 more transcripts); c.731T>C, p.Leu244Pro (NM_001379419.1, NM_001379420.1); short protein forms L284P, L244P.
Identifiers: ClinVar variation 864686 (VCV000864686.5), dbSNP rs149605765, ClinGen allele CA1089735.

ClinVar aggregate classification (germline): Uncertain significance (1 of 4 stars; one submission).

Conditions:
MHC class II deficiency. Also called: Bare lymphocyte syndrome 2; BLS, TYPE II. Identifiers: Orphanet 572, MedGen C5447452, MONDO:0008855.

Allele frequency attached by ClinVar (database versions not stated): gnomAD exomes 0.00014 and 0.00006; TOPMed 0.00019; ESP Exome Variant Server 0.00023; gnomAD 0.00025; ExAC 0.00012.
gnomAD v4.1: 128 of 1,613,110 alleles (0.0079%); highest among the groups gnomAD compares: Middle Eastern, 0.075%; 1 homozygote.

Submission:

Labcorp Genetics (formerly Invitae), Labcorp
Classification: Uncertain significance for MHC class II deficiency. Last evaluated: 2022-08-31. Review status: criteria provided, single submitter. Criteria: Invitae Variant Classification Sherloc (09022015). Collection method: clinical testing. Allele origin: germline.
Comment: This sequence change replaces leucine, which is neutral and non-polar, with proline, which is neutral and non-polar, at codon 284 of the RFX5 protein (p.Leu284Pro). This variant is present in population databases (rs149605765, gnomAD 0.05%). This variant has not been reported in the literature in individuals affected with RFX5-related conditions. ClinVar contains an entry for this variant (Variation ID: 864686). Algorithms developed to predict the effect of missense changes on protein structure and function output the following: SIFT: "Tolerated"; PolyPhen-2: "Benign"; Align-GVGD: "Class C0". The proline amino acid residue is found in multiple mammalian species, which suggests that this missense change does not adversely affect protein function. In summary, the available evidence is currently insufficient to determine the role of this variant in disease. Therefore, it has been classified as a Variant of Uncertain Significance.